The following is an entry in ClinVar:

NM_000257.4(MYH7):c.2451C>A (p.Asn817Lys)

Genes: MYH7 (myosin heavy chain 7; minus strand), LOC126861898 (BRD4-independent group 4 enhancer GRCh37_chr14:23893609-23894808; plus strand). Cytogenetic location: 14q11.2.
Variant type: single nucleotide variant.
Coding change: c.2451C>A on transcript NM_000257.4 (MANE Select); coding-DNA position 2451, C replaced by A.
Protein change: p.Asn817Lys; replaces asparagine 817 with lysine.
Molecular consequence: missense variant.
Genome position (GRCh38, 1-based): chr14:23,424,997, G>T on the plus strand (C>A on the coding strand, the complement: MYH7 is on the minus strand). VCF-style: chr14-23424997-G-T. GRCh37 (hg19) VCF-style: chr14-23894206-G-T.
Other names: c.2451C>A (LRG_384t1); short protein forms N817K.
Identifiers: ClinVar variation 235029 (VCV000235029.14), dbSNP rs876661372, ClinGen allele CA10581174.
Genomic context (GRCh38, chr14:23,424,997, plus strand): 5'-CTTGATCTTGAAGTAGAGCTTCATCCAGGGCCAATTCTTGACCCCCATGAAGGCCCGAAT[G>T]TTCCACTGGATTACCAGCAGGGAGTCTCTGCAGGGGCCCATTGAAAGGAGTGCTGAGCCT-3'
Protein context (NP_000248.2, residues 807-827): RRDSLLVIQW[Asn817Lys]IRAFMGVKNW

ClinVar aggregate classification (germline): Uncertain significance. Review status: criteria provided, multiple submitters, no conflicts (2 of 4 stars). 3 submissions from 3 submitters: Uncertain significance (3). Last evaluated 2023-10-19.

Conditions:
Cardiovascular phenotype. Identifiers: MedGen CN230736.
Hypertrophic cardiomyopathy. Also called: HYPERTROPHIC MYOCARDIOPATHY. Identifiers: Orphanet 217569, MedGen C0007194, MeSH D002312, MONDO:0005045, HP:0001639.

Submissions (3):

Ambry Genetics
Classification: Uncertain significance for Cardiovascular phenotype. Last evaluated: 2023-10-19. Review status: criteria provided, single submitter. Criteria: Ambry Variant Classification Scheme 2023. Collection method: clinical testing. Allele origin: germline.
Comment: The p.N817K variant (also known as c.2451C>A), located in coding exon 20 of the MYH7 gene, results from a C to A substitution at nucleotide position 2451. The asparagine at codon 817 is replaced by lysine, an amino acid with similar properties. This alteration is located in the myosin head domain, which contains a statistically significant clustering of pathogenic missense variants (Homburger JR et al. Proc Natl Acad Sci U S A, 2016 06;113:6701-6; Walsh R et al. Genet Med, 2017 02;19:192-203; Ambry internal data). This variant has been detected in hypertrophic cardiomyopathy (HCM) cohorts and individuals reported to have HCM (Homburger JR et al. Proc Natl Acad Sci U S A, 2016 06;113:6701-6; J&auml;&auml;skel&auml;inen P et al. ESC Heart Fail. 2019 Apr;6(2):436-445; Norrish G et al. Circulation, 2019 07;140:184-192, external communication; Ambry internal data). This amino acid position is highly conserved in available vertebrate species. In addition, the in silico prediction for this alteration is inconclusive. Since supporting evidence is limited at this time, the clinical significance of this alteration remains unclear.

Labcorp Genetics (formerly Invitae), Labcorp
Classification: Uncertain significance for Hypertrophic cardiomyopathy. Last evaluated: 2021-06-21. Review status: criteria provided, single submitter. Criteria: Invitae Variant Classification Sherloc (09022015). Collection method: clinical testing. Allele origin: germline.
Comment: This variant is found within a region of MYH7 between codons 181 and 937 that contains the majority of the myosin head domain. Missense variants in this region have been shown to be significantly overrepresented in individuals with hypertrophic cardiomyopathy (PMID: 27532257). Algorithms developed to predict the effect of missense changes on protein structure and function (SIFT, PolyPhen-2, Align-GVGD) all suggest that this variant is likely to be disruptive, but these predictions have not been confirmed by published functional studies and their clinical significance is uncertain. This variant has been observed in individual(s) with hypertrophic cardiomyopathy (Invitae). ClinVar contains an entry for this variant (Variation ID: 235029). This variant is not present in population databases (ExAC no frequency). This sequence change replaces asparagine with lysine at codon 817 of the MYH7 protein (p.Asn817Lys). The asparagine residue is highly conserved and there is a moderate physicochemical difference between asparagine and lysine. In summary, the available evidence is currently insufficient to determine the role of this variant in disease. Therefore, it has been classified as a Variant of Uncertain Significance.

Stanford Center for Inherited Cardiovascular Disease, Stanford University
Classification: Uncertain significance. Last evaluated: 2012-01-14. Review status: criteria provided, single submitter. Criteria: ACMG Guidelines, 2015. Collection method: provider interpretation. Allele origin: germline.

Literature cited by the submitters: PubMed 27247418 (cited by Ambry Genetics); PubMed 30775854 (cited by Ambry Genetics); PubMed 31006259 (cited by Ambry Genetics); PubMed 27532257 (cited by Labcorp Genetics (formerly Invitae), Labcorp).